The following is an entry in ClinVar:

ClinVar aggregate classification (germline): Benign (1 of 4 stars; one submission).

Conditions:
Renal hypomagnesemia 5 with ocular involvement. Also called: FHHNC WITH SEVERE OCULAR INVOLVEMENT; HYPOMAGNESEMIA, FAMILIAL, WITH HYPERCALCIURIA, NEPHROCALCINOSIS, AND SEVERE OCULAR INVOLVEMENT; MACULAR COLOBOMA, BILATERAL, WITH HYPERCALCIURIA; HYPOMAGNESEMIA 5, RENAL, WITH OR WITHOUT OCULAR INVOLVEMENT. Identifiers: Orphanet 2196, MedGen C4721891, MONDO:0009548, OMIM 248190.

Allele frequency attached by ClinVar (database versions not stated): gnomAD 0.00281 and 0.00368; TOPMed 0.00298; 1000 Genomes Project 30x 0.00984; 1000 Genomes Project 0.01118.

Submission:

Illumina Laboratory Services, Illumina
Classification: Benign for Renal hypomagnesemia 5 with ocular involvement. Last evaluated: 2018-01-13. Review status: criteria provided, single submitter. Criteria: ICSL Variant Classification Criteria 13 December 2019. Collection method: clinical testing. Allele origin: germline.
Comment: This variant was observed in the ICSL laboratory as part of a predisposition screen in an ostensibly healthy population. It had not been previously curated by ICSL or reported in the Human Gene Mutation Database (HGMD: prior to June 1st, 2018), and was therefore a candidate for classification through an automated scoring system. Utilizing variant allele frequency, disease prevalence and penetrance estimates, and inheritance mode, an automated score was calculated to assess if this variant is too frequent to cause the disease. Based on the score and internal cut-off values, a variant classified as benign is not then subjected to further curation. The score for this variant resulted in a classification of benign for this disease.

NM_148960.3(CLDN19):c.*1760C>T

Gene: CLDN19 (claudin 19; minus strand). Cytogenetic location: 1p34.2.
Variant type: single nucleotide variant.
Coding change: c.*1760C>T on transcript NM_148960.3 (MANE Select); 1760 bases downstream of the stop codon, C replaced by T.
Molecular consequence: 3 prime UTR variant.
Genome position (GRCh38, 1-based): chr1:42,733,326, G>A on the plus strand (C>T on the coding strand, the complement: CLDN19 is on the minus strand). VCF-style: chr1-42733326-G-A. GRCh37 (hg19) VCF-style: chr1-43198997-G-A.
Other names: c.*2542C>T (NM_001123395.2); c.*2436C>T (NM_001185117.2).
Identifiers: ClinVar variation 297315 (VCV000297315.5), dbSNP rs138082769, ClinGen allele CA10611036.